The following is an entry in ClinVar:

NM_024996.7(GFM1):c.491G>A (p.Arg164His)

Gene: GFM1 (G elongation factor mitochondrial 1; plus strand). Cytogenetic location: 3q25.32.
Variant type: single nucleotide variant.
Coding change: c.491G>A on transcript NM_024996.7 (MANE Select); coding-DNA position 491, G replaced by A.
Protein change: p.Arg164His; replaces arginine 164 with histidine.
Molecular consequence: missense variant. On other transcripts: non-coding transcript variant (3), intron variant (4).
Genome position (GRCh38, 1-based): chr3:158,646,866, G>A. VCF-style: chr3-158646866-G-A. GRCh37 (hg19) VCF-style: chr3-158364655-G-A.
Other names: c.491G>A, p.Arg164His (NM_001308164.2, NM_001308166.2, NM_001374355.1 and 1 more transcripts); c.266G>A, p.Arg89His (NM_001374357.1); c.5+1085G>A (NM_001374359.1, NM_001374360.1, NM_001374361.1); c.234+1085G>A (NM_001374358.1); c.491G>A (NM_024996.5); short protein forms R164H, R89H.
Identifiers: ClinVar variation 1493839 (VCV001493839.7), dbSNP rs200727254, ClinGen allele CA2682344.

ClinVar aggregate classification (germline): Uncertain significance. Review status: criteria provided, multiple submitters, no conflicts (2 of 4 stars). 3 submissions from 3 submitters: Uncertain significance (3). Last evaluated 2024-12-09.

Allele frequency attached by ClinVar (database versions not stated): TOPMed 0.00011; gnomAD exomes 0.00013 and 0.00014; ExAC 0.00016; gnomAD 0.00021 and 0.00022.
gnomAD v4.1: 215 of 1,613,994 alleles (0.013%); highest among the groups gnomAD compares: Non-Finnish European, 0.015%; 1 homozygote.

Submissions (3):

Labcorp Genetics (formerly Invitae), Labcorp
Classification: Uncertain significance. Last evaluated: 2024-12-09. Review status: criteria provided, single submitter. Criteria: Invitae Variant Classification Sherloc (09022015). Collection method: clinical testing. Allele origin: germline.
Comment: This sequence change replaces arginine, which is basic and polar, with histidine, which is basic and polar, at codon 164 of the GFM1 protein (p.Arg164His). This variant is present in population databases (rs200727254, gnomAD 0.07%), including at least one homozygous and/or hemizygous individual. This variant has not been reported in the literature in individuals affected with GFM1-related conditions. ClinVar contains an entry for this variant (Variation ID: 1493839). Invitae Evidence Modeling of protein sequence and biophysical properties (such as structural, functional, and spatial information, amino acid conservation, physicochemical variation, residue mobility, and thermodynamic stability) has been performed for this missense variant. However, the output from this modeling did not meet the statistical confidence thresholds required to predict the impact of this variant on GFM1 protein function. In summary, the available evidence is currently insufficient to determine the role of this variant in disease. Therefore, it has been classified as a Variant of Uncertain Significance.

Blueprint Genetics
Classification: Uncertain significance. Last evaluated: 2024-10-11. Review status: criteria provided, single submitter. Criteria: ACMG Guidelines, 2015. Collection method: clinical testing. Allele origin: germline.

GeneDx
Classification: Uncertain significance. Last evaluated: 2024-09-13. Review status: criteria provided, single submitter. Criteria: GeneDx Variant Classification Process June 2021. Collection method: clinical testing. Allele origin: germline. Affected: yes.
Comment: In silico analysis supports that this missense variant has a deleterious effect on protein structure/function; Has not been previously published as pathogenic or benign to our knowledge; This variant is associated with the following publications: (PMID: 27377421)